The following is an entry in ClinVar:

ClinVar aggregate classification (germline): Uncertain significance (1 of 4 stars; one submission).

Conditions:
Tumor predisposition syndrome 3 (TPDS3). Also called: Glioma susceptibility 9; Melanoma, cutaneous malignant, susceptibility to, 10; LONG TELOMERE SYNDROME, POT1-RELATED; POT1 Tumor Predisposition. Identifiers: Orphanet 618, MedGen C4014476, MONDO:0014368, OMIM 615848.

Submission:

Labcorp Genetics (formerly Invitae), Labcorp
Classification: Uncertain significance for Tumor predisposition syndrome 3. Last evaluated: 2023-09-11. Review status: criteria provided, single submitter. Criteria: Invitae Variant Classification Sherloc (09022015). Collection method: clinical testing. Allele origin: germline.
Comment: This variant has not been reported in the literature in individuals affected with POT1-related conditions. In summary, the available evidence is currently insufficient to determine the role of this variant in disease. Therefore, it has been classified as a Variant of Uncertain Significance. Advanced modeling of protein sequence and biophysical properties (such as structural, functional, and spatial information, amino acid conservation, physicochemical variation, residue mobility, and thermodynamic stability) performed at Invitae indicates that this missense variant is not expected to disrupt POT1 protein function. This variant is not present in population databases (gnomAD no frequency). This sequence change replaces cysteine, which is neutral and slightly polar, with arginine, which is basic and polar, at codon 59 of the POT1 protein (p.Cys59Arg).

NM_015450.3(POT1):c.175T>C (p.Cys59Arg)

Gene: POT1 (protection of telomeres 1; minus strand). Cytogenetic location: 7q31.33.
Variant type: single nucleotide variant.
Coding change: c.175T>C on transcript NM_015450.3 (MANE Select); coding-DNA position 175, T replaced by C.
Protein change: p.Cys59Arg; replaces cysteine 59 with arginine.
Molecular consequence: missense variant. On other transcripts: non-coding transcript variant (3), intron variant (1).
Genome position (GRCh38, 1-based): chr7:124,870,991, A>G on the plus strand (T>C on the coding strand, the complement: POT1 is on the minus strand). VCF-style: chr7-124870991-A-G. GRCh37 (hg19) VCF-style: chr7-124511045-A-G.
Other names: c.-138-7351T>C (NM_001042594.2); short protein forms C59R.
Identifiers: ClinVar variation 2760061 (VCV002760061.3), dbSNP rs1418472108, ClinGen allele CA369061566.